The following is an entry in ClinVar:

ClinVar aggregate classification (germline): Likely benign (0 of 4 stars; one submission).

Conditions:
IFT172-related disorder. Also called: IFT172-related condition; IFT172-related disorders.

gnomAD v4.1: 1 of 1,613,508 alleles (0.000062%); highest among the groups gnomAD compares: South Asian, 0.0011%; no homozygotes.

Submission:

PreventionGenetics, part of Exact Sciences
Classification: Likely benign for IFT172-related condition. Last evaluated: 2021-01-22. Review status: no assertion criteria provided. Collection method: clinical testing. Allele origin: germline.
Comment: This variant is classified as likely benign based on ACMG/AMP sequence variant interpretation guidelines (Richards et al. 2015 PMID: 25741868, with internal and published modifications).

NM_015662.3(IFT172):c.1518A>G (p.Lys506=)

Gene: IFT172 (intraflagellar transport 172; minus strand). Cytogenetic location: 2p23.3.
Variant type: single nucleotide variant.
Coding change: c.1518A>G on transcript NM_015662.3 (MANE Select); coding-DNA position 1518, A replaced by G.
Protein change: p.Lys506=; no amino-acid change (lysine 506 retained).
Molecular consequence: synonymous variant.
Genome position (GRCh38, 1-based): chr2:27,472,256, T>C on the plus strand (A>G on the coding strand, the complement: IFT172 is on the minus strand). VCF-style: chr2-27472256-T-C. GRCh37 (hg19) VCF-style: chr2-27695123-T-C.
Other names: c.1518A>G, p.Lys506= (NM_001410739.1).
Identifiers: ClinVar variation 3358705 (VCV003358705.1).